The following is an entry in ClinVar:

ClinVar aggregate classification (germline): Likely benign (1 of 4 stars; one submission).

Conditions:
PKHD1-related disorder. Also called: PKHD1-related condition.

Submission:

PreventionGenetics, part of Exact Sciences
Classification: Likely benign for PKHD1-related condition. Last evaluated: 2025-01-19. Review status: criteria provided, single submitter. Criteria: ACMG Guidelines, 2015. Collection method: clinical testing. Allele origin: germline.
Comment: This variant is classified as likely benign based on ACMG/AMP sequence variant interpretation guidelines (Richards et al. 2015 PMID: 25741868, with internal and published modifications).

NM_138694.4(PKHD1):c.5718T>A (p.Thr1906=)

Gene: PKHD1 (PKHD1 ciliary IPT domain containing fibrocystin/polyductin; minus strand). Cytogenetic location: 6p12.2.
Variant type: single nucleotide variant.
Coding change: c.5718T>A on transcript NM_138694.4 (MANE Select); coding-DNA position 5718, T replaced by A.
Protein change: p.Thr1906=; no amino-acid change (threonine 1906 retained).
Molecular consequence: synonymous variant.
Genome position (GRCh38, 1-based): chr6:52,010,342, A>T on the plus strand (T>A on the coding strand, the complement: PKHD1 is on the minus strand). VCF-style: chr6-52010342-A-T. GRCh37 (hg19) VCF-style: chr6-51875140-A-T.
Other names: c.5718T>A, p.Thr1906= (NM_170724.3).
Identifiers: ClinVar variation 4996923 (VCV004996923.1).
Genomic context (GRCh38, chr6:52,010,342, plus strand): 5'-CAGTCTGTAAAAAAGATTTGATTATACCTGAGTGTTCTGGCCCCAGCGTTTCCGTATCTC[A>T]GTAATCTTGACGGTAATTGGCTGATTGGGCGTCTCACACTCCATCTCTGCCTCAGTTTCC-3'
Protein context (NP_619639.3, residues 1896-1916): TPNQPITVKI[Thr1906=]EIRKRWGQNT